The following continues an entry in ClinVar:

NM_000350.3(ABCA4):c.5917del (p.Gly1972_Val1973insTer)

Gene: ABCA4. ClinVar aggregate classification (germline): Pathogenic. Pathogenic (1).

Submissions 11 to 26 of 26:

Neuberg Centre For Genomic Medicine, NCGM
Classification: Pathogenic for Severe early-childhood-onset retinal dystrophy. Last evaluated: 2023-05-20. Review status: criteria provided, single submitter. Criteria: ACMG Guidelines, 2015. Collection method: clinical testing. Allele origin: germline. Inheritance: Autosomal recessive inheritance. Affected: yes. Not counted in ClinVar's aggregate classification.
Comment: The frameshift c.5917del (p.Val1973Ter) variant in the ABCA4 gene has been observed in individual(s) with Stargardt disease and inherited retinal disease (Carss, Keren J et al.,2017). This variant is reported with the allele frequency (0.002%) in the gnomAD Exomes. It is submitted to ClinVar as Pathogenic (multiple submissions). This variant is predicted to cause loss of normal protein function through protein truncation. Loss of function variants have been previously reported to be disease causing. For these reasons, this variant has been classified as Pathogenic.

Centre of Medical Genetics, University Hospital Muenster
Classification: Pathogenic. Last evaluated: 2023-04-20. Review status: criteria provided, single submitter. Criteria: ACMG Guidelines, 2015. Collection method: clinical testing. Allele origin: unknown. Affected: yes. Observed: 1 variant allele, 1 heterozygote. Not counted in ClinVar's aggregate classification.
Comment: ACMG categories: PVS1,PM2,PM3,PP4,PP5

Institute of Human Genetics Munich, TUM University Hospital
Classification: Pathogenic for Severe early-childhood-onset retinal dystrophy. Last evaluated: 2023-01-25. Review status: criteria provided, single submitter. Criteria: Classification criteria August 2017. Collection method: clinical testing. Allele origin: germline. Inheritance: Autosomal recessive inheritance. Affected: yes. Observed: 2 variant alleles. Not counted in ClinVar's aggregate classification.

Institute of Human Genetics, Univ. Regensburg, Univ. Regensburg
Classification: Pathogenic for Retinal dystrophy. Last evaluated: 2023-01-01. Review status: criteria provided, single submitter. Criteria: ACMG Guidelines, 2015. Collection method: clinical testing. Allele origin: germline. Affected: yes. Not counted in ClinVar's aggregate classification.

MGZ Medical Genetics Center
Classification: Pathogenic for Severe early-childhood-onset retinal dystrophy. Last evaluated: 2021-12-03. Review status: criteria provided, single submitter. Criteria: ACMG Guidelines, 2015. Collection method: clinical testing. Allele origin: germline. Affected: yes. Observed: 1 variant allele. Not counted in ClinVar's aggregate classification.
Comment: ACMG criteria applied: PVS1, PM3, PM2_SUP

Laboratory of Medical Genetics, National & Kapodistrian University of Athens
Classification: Pathogenic for Severe early-childhood-onset retinal dystrophy. Last evaluated: 2021-10-05. Review status: criteria provided, single submitter. Criteria: ACMG Guidelines, 2015. Collection method: clinical testing. Allele origin: unknown. Affected: yes. Not counted in ClinVar's aggregate classification.
Comment: PVS1, PM2, PP5

DBGen Ocular Genomics
Classification: Pathogenic for Severe early-childhood-onset retinal dystrophy. Last evaluated: 2021-05-31. Review status: criteria provided, single submitter. Criteria: ACMG Guidelines, 2015. Collection method: clinical testing. Allele origin: germline. Affected: yes. Observed: 1 variant allele. Not counted in ClinVar's aggregate classification.

Institute of Medical Genetics and Applied Genomics, University Hospital Tübingen
Classification: Pathogenic. Last evaluated: 2020-10-23. Review status: criteria provided, single submitter. Criteria: ACMG Guidelines, 2015. Collection method: clinical testing. Allele origin: germline. Inheritance: Autosomal recessive inheritance. Affected: yes. Not counted in ClinVar's aggregate classification.

Illumina Laboratory Services, Illumina
Classification: Pathogenic for ABCA4-related disorder. Last evaluated: 2020-05-13. Review status: criteria provided, single submitter. Criteria: ICSLVariantClassificationCriteria RUGD 01 April 2020. Collection method: clinical testing. Allele origin: unknown. Not counted in ClinVar's aggregate classification.
Comment: The ABCA4 c.5917delG p.(Val1973Ter) nonsense variant is expected to result in the loss of normal protein function through either protein truncation or nonsense-mediated mRNA decay. Across a selection of the available literature, the c.5917delG p.(Val1973Ter) variant has been identified in a total of 15 individuals with ABCA4 -related disorders including in nine individuals diagnosed with Stargardt disease, in three of whom the variant was found in a homozygous state, and in six of whom, the variant was found in a compound heterozygous state. Of six individuals diagnosed with cone-rod dystrophy, four carried the variant in a homozygous state, and two in a presumed compound heterozygous state (Rivera et al. 2000; Biggs et al. 2001; Gerth et al. 2002; Riveiro-Alvarez et al. 2013; Schulz et al. 2017; Dockery et al. 2017; Weisschuh et al. 2018). This variant is reported at a frequency of 0.000163 in the South Asian population of the Genome Aggregation Database (version 2.1.1). This allele frequency is consistent with the disease prevalence estimates. Based on the collective evidence the c.5917delG p.(Val1973Ter) variant is classified as pathogenic for ABCA4 -related disorders.

Institute of Human Genetics, Univ. Regensburg, Univ. Regensburg
Classification: Pathogenic for Severe early-childhood-onset retinal dystrophy. Last evaluated: 2016-01-01. Review status: criteria provided, single submitter. Criteria: Schulz et al. (Invest Ophthalmol Vis Sci. 2017). Collection method: clinical testing. Allele origin: germline. Affected: yes. Observed: 6 heterozygotes, 2 homozygotes. Not counted in ClinVar's aggregate classification.

Genomics England Pilot Project, Genomics England
Classification: Pathogenic for Retinitis pigmentosa 19. Review status: criteria provided, single submitter. Criteria: ACGS Guidelines, 2016. Collection method: clinical testing. Allele origin: germline. Affected: yes. Not counted in ClinVar's aggregate classification.

Sharon lab, Hadassah-Hebrew University Medical Center
Classification: Pathogenic for Maculopathy. Last evaluated: 2019-06-23. Review status: no assertion criteria provided. Collection method: research. Allele origin: inherited. Affected: yes. Not counted in ClinVar's aggregate classification.

Faculty of Health Sciences, Beirut Arab University
Classification: Pathogenic for Autosomal recessive Retinitis Pigmentosa. Last evaluated: 2018-09-03. Review status: no assertion criteria provided. Collection method: literature only. Allele origin: germline. Affected: yes. Observed: 4 variant alleles. Not counted in ClinVar's aggregate classification.

Joint Genome Diagnostic Labs from Nijmegen and Maastricht, Radboudumc and MUMC+
Classification: Pathogenic for Age related macular degeneration 2. Last evaluated: 2016-09-01. Review status: no assertion criteria provided. Collection method: clinical testing. Allele origin: inherited. Affected: yes. Observed: 1 variant allele. Not counted in ClinVar's aggregate classification.

NIHR Bioresource Rare Diseases, University of Cambridge
Classification: Pathogenic for Retinal dystrophy. Last evaluated: 2015-01-01. Review status: no assertion criteria provided. Collection method: research. Allele origin: unknown. Affected: yes. Observed: 1 variant allele. Not counted in ClinVar's aggregate classification.

Retina International
No classification provided. Review status: no classification provided. Collection method: not provided. Allele origin: not provided. Not counted in ClinVar's aggregate classification.

Literature cited by the submitters: PubMed 10958761 (cited by Labcorp Genetics (formerly Invitae), Labcorp and Ophthalmic Genetics Group, Institute of Molecular and Clinical Ophthalmology Basel); PubMed 24938718 (cited by Labcorp Genetics (formerly Invitae), Labcorp and Ophthalmic Genetics Group, Institute of Molecular and Clinical Ophthalmology Basel); PubMed 25312043 (cited by Labcorp Genetics (formerly Invitae), Labcorp); PubMed 26780318 (cited by Labcorp Genetics (formerly Invitae), Labcorp); PubMed 28041643 (cited by 3 submitters); PubMed 29099798 (cited by Labcorp Genetics (formerly Invitae), Labcorp and Institute of Human Genetics, Univ. Regensburg, Univ. Regensburg); PubMed 10958763 (cited by 4 submitters); PubMed 40180963 (cited by Ophthalmic Genetics Group, Institute of Molecular and Clinical Ophthalmology Basel); PubMed 16303926 (cited by Victorian Clinical Genetics Services, Murdoch Childrens Research Institute); PubMed 24453473 (cited by Victorian Clinical Genetics Services, Murdoch Childrens Research Institute); PubMed 31522899 (cited by Victorian Clinical Genetics Services, Murdoch Childrens Research Institute); PubMed 23755871 (cited by Institute of Human Genetics, Univ. Regensburg, Univ. Regensburg); PubMed 28341476 (cited by Institute of Human Genetics, Univ. Regensburg, Univ. Regensburg); PubMed 29555955 (cited by Institute of Human Genetics, Univ. Regensburg, Univ. Regensburg); PubMed 30576320 (cited by Institute of Human Genetics, Univ. Regensburg, Univ. Regensburg); PubMed 31589614 (cited by Institute of Human Genetics, Univ. Regensburg, Univ. Regensburg); PubMed 32619608 (cited by Institute of Human Genetics, Univ. Regensburg, Univ. Regensburg); PubMed 31964843 (cited by Institute of Human Genetics, Univ. Regensburg, Univ. Regensburg); PubMed 32036094 (cited by Institute of Human Genetics, Univ. Regensburg, Univ. Regensburg); PubMed 32581362 (cited by Institute of Human Genetics, Univ. Regensburg, Univ. Regensburg); PubMed 32531858 (cited by Institute of Human Genetics, Univ. Regensburg, Univ. Regensburg); PubMed 34315337 (cited by Institute of Human Genetics, Univ. Regensburg, Univ. Regensburg); PubMed 34327195 (cited by Institute of Human Genetics, Univ. Regensburg, Univ. Regensburg); PubMed 34758253 (cited by Institute of Human Genetics, Univ. Regensburg, Univ. Regensburg); PubMed 36338671 (cited by Institute of Human Genetics, Univ. Regensburg, Univ. Regensburg); PubMed 35119454 (cited by Institute of Human Genetics, Univ. Regensburg, Univ. Regensburg); PubMed 35260635 (cited by Institute of Human Genetics, Univ. Regensburg, Univ. Regensburg); PubMed 35656873 (cited by Institute of Human Genetics, Univ. Regensburg, Univ. Regensburg); PubMed 36460718 (cited by Institute of Human Genetics, Univ. Regensburg, Univ. Regensburg); PubMed 35836572 (cited by Institute of Human Genetics, Univ. Regensburg, Univ. Regensburg); PubMed 30054919 (cited by Faculty of Health Sciences, Beirut Arab University).